The following is an entry in ClinVar:

ClinVar aggregate classification (germline): Benign/Likely benign. Review status: criteria provided, multiple submitters, no conflicts (2 of 4 stars). 5 submissions from 5 submitters: Benign (3); Likely benign (2). Last evaluated 2026-09-01.

Conditions:
Primary ciliary dyskinesia. Also called: Ciliary dyskinesia. Identifiers: Orphanet 244, MedGen C0008780, MONDO:0016575, HP:0012265.

Allele frequency attached by ClinVar (database versions not stated): 1000 Genomes Project 0.00260; 1000 Genomes Project 30x 0.00265; ExAC 0.00344; gnomAD exomes 0.00385 and 0.00588; ESP Exome Variant Server 0.00438; gnomAD 0.00452 and 0.00463; TOPMed 0.00487.
gnomAD v4.1: 9,207 of 1,613,710 alleles (0.57%); highest among the groups gnomAD compares: Non-Finnish European, 0.7%; 32 homozygotes.

Submissions (5):

CeGaT Center for Human Genetics Tuebingen
Classification: Likely benign. Last evaluated: 2026-09-01. Review status: criteria provided, single submitter. Criteria: CeGaT Center For Human Genetics Tuebingen Variant Classification Criteria Version 2. Collection method: clinical testing. Allele origin: germline. Affected: yes. Observed: 3 variant alleles.
Comment: RSPH1: BP4, BS2

Labcorp Genetics (formerly Invitae), Labcorp
Classification: Benign for Primary ciliary dyskinesia. Last evaluated: 2026-02-04. Review status: criteria provided, single submitter. Criteria: Invitae Variant Classification Sherloc (09022015). Collection method: clinical testing. Allele origin: germline.

Blueprint Genetics
Classification: Likely benign. Last evaluated: 2024-11-28. Review status: criteria provided, single submitter. Criteria: ACMG Guidelines, 2015. Collection method: clinical testing. Allele origin: germline.

Mayo Clinic Laboratories, Mayo Clinic
Classification: Benign. Last evaluated: 2024-04-29. Review status: criteria provided, single submitter. Criteria: ACMG Guidelines, 2015. Collection method: clinical testing. Allele origin: germline. Observed: 4 variant alleles.
Comment: BS1, BS2, BP4

Breakthrough Genomics
Classification: Benign. Review status: criteria provided, single submitter. Criteria: ACMG Guidelines, 2015. Collection method: not provided. Allele origin: germline. Inheritance: Autosomal recessive inheritance. Affected: yes.

NM_080860.4(RSPH1):c.733G>A (p.Gly245Arg)

Gene: RSPH1 (radial spoke head component 1; minus strand). Cytogenetic location: 21q22.3.
Variant type: single nucleotide variant.
Coding change: c.733G>A on transcript NM_080860.4 (MANE Select); coding-DNA position 733, G replaced by A.
Protein change: p.Gly245Arg; replaces glycine 245 with arginine.
Molecular consequence: missense variant.
Genome position (GRCh38, 1-based): chr21:42,476,042, C>T on the plus strand (G>A on the coding strand, the complement: RSPH1 is on the minus strand). VCF-style: chr21-42476042-C-T. GRCh37 (hg19) VCF-style: chr21-43896152-C-T.
Other names: p.Gly245Arg; c.619G>A, p.Gly207Arg (NM_001286506.2); short protein forms G245R, G207R.
Identifiers: ClinVar variation 241791 (VCV000241791.23), dbSNP rs151158140, ClinGen allele CA10043757.
Genomic context (GRCh38, chr21:42,476,042, plus strand): 5'-TCATGTCCATCTCACCCTCGAAGCCCTCCAGCAGAGCCTGGGCCTCCTCCCCGGGTTCTC[C>T]TGCACCTGAGATAAAACACAAGTCAGAAGCCTGAGTTCCTGGGAAAAATGGAGCCTGCAG-3'
Protein context (NP_543136.1, residues 235-255): GQDAPGAESA[Gly245Arg]EPGEEAQALL